The following is an entry in ClinVar:

ClinVar aggregate classification (germline): Conflicting classifications of pathogenicity. Review status: criteria provided, conflicting classifications (1 of 4 stars). 2 submissions from 2 submitters: Likely pathogenic (1); Uncertain significance (1). Last evaluated 2024-11-15.

Conditions:
Inborn genetic diseases. Identifiers: MedGen C0950123, MeSH D030342.

Allele frequency attached by ClinVar (database versions not stated): gnomAD exomes below 0.00001; TOPMed 0.00001.
gnomAD v4.1: 1 of 1,613,922 alleles (0.000062%); highest among the groups gnomAD compares: Non-Finnish European, 0.000085%; no homozygotes.

Submissions (2):

Blueprint Genetics
Classification: Uncertain significance. Last evaluated: 2024-11-15. Review status: criteria provided, single submitter. Criteria: ACMG Guidelines, 2015. Collection method: clinical testing. Allele origin: germline.

Ambry Genetics
Classification: Likely pathogenic for Inborn genetic diseases. Last evaluated: 2023-07-27. Review status: criteria provided, single submitter. Criteria: Ambry Variant Classification Scheme 2023. Collection method: clinical testing. Allele origin: germline.
Comment: The c.1261C>T (p.R421W) alteration is located in exon 13 (coding exon 12) of the PAK1 gene. This alteration results from a C to T substitution at nucleotide position 1261, causing the arginine (R) at amino acid position 421 to be replaced by a tryptophan (W). This variant was not reported in population-based cohorts in the Genome Aggregation Database (gnomAD). This amino acid position is highly conserved in available vertebrate species. This missense alteration is located in a region that has a low rate of benign missense variation (Lek, 2016; Firth, 2009). The in silico prediction for this alteration is inconclusive. Based on the available evidence, this alteration is classified as likely pathogenic.

NM_002576.5(PAK1):c.1261C>T (p.Arg421Trp)

Gene: PAK1 (p21 (RAC1) activated kinase 1; minus strand). Cytogenetic location: 11q13.5.
Variant type: single nucleotide variant.
Coding change: c.1261C>T on transcript NM_002576.5 (MANE Select); coding-DNA position 1261, C replaced by T.
Protein change: p.Arg421Trp; replaces arginine 421 with tryptophan.
Molecular consequence: missense variant. On other transcripts: non-coding transcript variant (2).
Genome position (GRCh38, 1-based): chr11:77,336,238, G>A on the plus strand (C>T on the coding strand, the complement: PAK1 is on the minus strand). VCF-style: chr11-77336238-G-A. GRCh37 (hg19) VCF-style: chr11-77047283-G-A.
Other names: c.1261C>T, p.Arg421Trp (NM_001128620.2, NM_001376268.1, NM_001376269.1 and 21 more transcripts); c.1282C>T, p.Arg428Trp (NM_001376272.1); c.1138C>T, p.Arg380Trp (NM_001376290.1, NM_001376291.1); c.1252C>T, p.Arg418Trp (NM_001376294.1); c.1084C>T, p.Arg362Trp (NM_001376295.1); c.1012C>T, p.Arg338Trp (NM_001376301.1); c.967C>T, p.Arg323Trp (NM_001376302.1, NM_001376304.1, NM_001376305.1); c.973C>T, p.Arg325Trp (NM_001376303.1); short protein forms R418W, R325W, R338W, R362W, R380W, R421W, R428W, R323W.
Identifiers: ClinVar variation 2606596 (VCV002606596.3), dbSNP rs972319037, ClinGen allele CA224853865.